The following is an entry in ClinVar:

NM_001278116.2(L1CAM):c.407_408insTC (p.Lys137fs)

Gene: L1CAM (L1 cell adhesion molecule; minus strand). Cytogenetic location: Xq28.
Variant type: Insertion.
Coding change: c.407_408insTC on transcript NM_001278116.2 (MANE Select); coding-DNA positions 407 to 408, TC inserted.
Protein change: p.Lys137fs; shifts the reading frame from lysine 137.
Molecular consequence: frameshift variant.
Genome position: GRCh38 VCF-style: chrX-153871172-G-GGA. GRCh37 (hg19) VCF-style: chrX-153136627-G-GGA.
Other names: c.407_408insTC, p.Lys137fs (NM_000425.5, NM_024003.3); c.392_393insTC, p.Lys132fs (NM_001143963.2); short protein forms K132fs, K137fs.
Identifiers: ClinVar variation 4992583 (VCV004992583.1).

ClinVar aggregate classification (germline): Likely pathogenic (1 of 4 stars; one submission).

Conditions:
L1CAM-related disorder. Also called: L1CAM-related condition.

Submission:

PreventionGenetics, part of Exact Sciences
Classification: Likely pathogenic for L1CAM-related condition. Last evaluated: 2026-03-12. Review status: criteria provided, single submitter. Criteria: ACMG Guidelines, 2015. Collection method: clinical testing. Allele origin: germline.
Comment: The L1CAM c.407_408insTC variant is predicted to result in a frameshift and premature protein termination (p.Lys137Profs*8). To our knowledge, this variant has not been reported in the literature or in a large population database (gnomAD), indicating this variant is rare. Frameshift variants in L1CAM are expected to be pathogenic. This variant is interpreted as likely pathogenic.